The following is an entry in ClinVar:

ClinVar aggregate classification (germline): Uncertain significance (1 of 4 stars; one submission).

Conditions:
Hereditary cancer-predisposing syndrome. Also called: Neoplastic Syndromes, Hereditary; Tumor predisposition; Hereditary Cancer Syndrome; Hereditary neoplastic syndrome. Identifiers: Orphanet 140162, MedGen C0027672, MeSH D009386, MONDO:0015356.

Submission:

Ambry Genetics
Classification: Uncertain significance for Hereditary cancer-predisposing syndrome. Last evaluated: 2026-01-27. Review status: criteria provided, single submitter. Criteria: Ambry Variant Classification Scheme 2023. Collection method: clinical testing. Allele origin: germline.
Comment: The p.T301R variant (also known as c.902C>G), located in coding exon 6 of the FH gene, results from a C to G substitution at nucleotide position 902. The threonine at codon 301 is replaced by arginine, an amino acid with similar properties. This amino acid position is highly conserved in available vertebrate species. In addition, this alteration is predicted to be deleterious by in silico analysis. Based on the available evidence, the clinical significance of this variant remains unclear.

NM_000143.4(FH):c.902C>G (p.Thr301Arg)

Gene: FH (fumarate hydratase; minus strand). Cytogenetic location: 1q43.
Variant type: single nucleotide variant.
Coding change: c.902C>G on transcript NM_000143.4 (MANE Select); coding-DNA position 902, C replaced by G.
Protein change: p.Thr301Arg; replaces threonine 301 with arginine.
Molecular consequence: missense variant.
Genome position (GRCh38, 1-based): chr1:241,506,005, G>C on the plus strand (C>G on the coding strand, the complement: FH is on the minus strand). VCF-style: chr1-241506005-G-C. GRCh37 (hg19) VCF-style: chr1-241669305-G-C.
Other names: short protein forms T301R.
Identifiers: ClinVar variation 2567076 (VCV002567076.3), dbSNP rs1457448744, ClinGen allele CA345438760.
Genomic context (GRCh38, chr1:241,506,005, plus strand): 5'-TGTACAGACCACGTATAATGAGAAATGAAAATGAGAAATAATTCACGTGATCACTAACCT[G>C]TAAGTGCAGCCACTTTTGCAGCAACCTTTTCTGCAAAGCCAATTCTAGTATTTAAACCTG-3'
Protein context (NP_000134.2, residues 291-311): EKVAAKVAAL[Thr301Arg]GLPFVTAPNK